The following is an entry in ClinVar:

ClinVar aggregate classification (germline): Uncertain significance. Review status: criteria provided, multiple submitters, no conflicts (2 of 4 stars). 4 submissions from 4 submitters: Uncertain significance (4). Last evaluated 2025-07-28.

Conditions:
Hereditary cancer-predisposing syndrome. Also called: Neoplastic Syndromes, Hereditary; Tumor predisposition; Hereditary Cancer Syndrome; Hereditary neoplastic syndrome. Identifiers: Orphanet 140162, MedGen C0027672, MeSH D009386, MONDO:0015356.
Familial cancer of breast. Also called: BREAST CANCER, FAMILIAL; Hereditary breast cancer; hereditary breast carcinoma. Identifiers: Orphanet 227535, MedGen C0346153, MONDO:0016419, OMIM 114480. Disease mechanism: loss of function.

Allele frequency attached by ClinVar (database versions not stated): gnomAD 0.00001; TOPMed 0.00002.
gnomAD v4.1: 1 of 1,613,624 alleles (0.000062%); no homozygotes.

Submissions (4):

Ambry Genetics
Classification: Uncertain significance for Hereditary cancer-predisposing syndrome. Last evaluated: 2025-07-28. Review status: criteria provided, single submitter. Criteria: Ambry Variant Classification Scheme 2023. Collection method: clinical testing. Allele origin: germline.
Comment: The p.K305Q variant (also known as c.913A>C), located in coding exon 4 of the BARD1 gene, results from an A to C substitution at nucleotide position 913. The lysine at codon 305 is replaced by glutamine, an amino acid with similar properties. This amino acid position is poorly conserved in available vertebrate species. In addition, this alteration is predicted to be tolerated by in silico analysis. Since supporting evidence is limited at this time, the clinical significance of this alteration remains unclear.

Labcorp Genetics (formerly Invitae), Labcorp
Classification: Uncertain significance for Familial cancer of breast. Last evaluated: 2025-04-02. Review status: criteria provided, single submitter. Criteria: Invitae Variant Classification Sherloc (09022015). Collection method: clinical testing. Allele origin: germline.
Comment: This sequence change replaces lysine, which is basic and polar, with glutamine, which is neutral and polar, at codon 305 of the BARD1 protein (p.Lys305Gln). This variant is not present in population databases (gnomAD no frequency). This variant has not been reported in the literature in individuals affected with BARD1-related conditions. ClinVar contains an entry for this variant (Variation ID: 186835). An algorithm developed to predict the effect of missense changes on protein structure and function (PolyPhen-2) suggests that this variant is likely to be tolerated. In summary, the available evidence is currently insufficient to determine the role of this variant in disease. Therefore, it has been classified as a Variant of Uncertain Significance.

Color Diagnostics, LLC DBA Color Health
Classification: Uncertain significance for Hereditary cancer-predisposing syndrome. Last evaluated: 2023-12-05. Review status: criteria provided, single submitter. Criteria: ACMG Guidelines, 2015. Collection method: clinical testing. Allele origin: germline.
Comment: This missense variant replaces lysine with glutamine at codon 305 of the BARD1 protein. Computational prediction suggests that this variant may not impact protein structure and function (internally defined REVEL score threshold <= 0.5, PMID: 27666373). To our knowledge, functional studies have not been reported for this variant. This variant has not been reported in individuals affected with BARD1-related disorders in the literature. This variant has not been identified in the general population by the Genome Aggregation Database (gnomAD). The available evidence is insufficient to determine the role of this variant in disease conclusively. Therefore, this variant is classified as a Variant of Uncertain Significance.

GeneDx
Classification: Uncertain significance. Last evaluated: 2023-09-20. Review status: criteria provided, single submitter. Criteria: GeneDx Variant Classification Process June 2021. Collection method: clinical testing. Allele origin: germline. Affected: yes.
Comment: Not observed at significant frequency in large population cohorts (gnomAD); In silico analysis supports that this missense variant does not alter protein structure/function; Has not been previously published as pathogenic or benign to our knowledge

NM_000465.4(BARD1):c.913A>C (p.Lys305Gln)

Gene: BARD1 (BRCA1 associated RING domain 1; minus strand). Cytogenetic location: 2q35.
Variant type: single nucleotide variant.
Coding change: c.913A>C on transcript NM_000465.4 (MANE Select); coding-DNA position 913, A replaced by C.
Protein change: p.Lys305Gln; replaces lysine 305 with glutamine.
Molecular consequence: missense variant. On other transcripts: non-coding transcript variant (2), intron variant (3).
Genome position (GRCh38, 1-based): chr2:214,780,961, T>G on the plus strand (A>C on the coding strand, the complement: BARD1 is on the minus strand). VCF-style: chr2-214780961-T-G. GRCh37 (hg19) VCF-style: chr2-215645685-T-G.
Other names: c.856A>C, p.Lys286Gln (NM_001282543.2); c.159-28406A>C (NM_001282548.2); c.215+16100A>C (NM_001282545.2); c.364+11336A>C (NM_001282549.2); short protein forms K305Q, K286Q.
Identifiers: ClinVar variation 186835 (VCV000186835.23), dbSNP rs786203258, ClinGen allele CA196005.
Genomic context (GRCh38, chr2:214,780,961, plus strand): 5'-GATGGCCACGTTTTCCATTATTTTCTAATGGCAAAGATTTCTTAGATGTAAGATAATTTT[T>G]GCAGACCTTCTCAGGAGTCACTACTTCATTCCTGCTCTTAGTGTCTGGAGACTCTATTTG-3'
Protein context (NP_000456.2, residues 295-315): NEVVTPEKVC[Lys305Gln]NYLTSKKSLP